The following is an entry in ClinVar:

NM_152263.4(TPM3):c.776-18G>T

Gene: TPM3 (tropomyosin 3; minus strand). Cytogenetic location: 1q21.3.
Variant type: single nucleotide variant.
Coding change: c.776-18G>T on transcript NM_152263.4 (MANE Select); 18 bases into the intron before coding-DNA position 776, G replaced by T.
Molecular consequence: intron variant.
Genome position (GRCh38, 1-based): chr1:154,169,401, C>A on the plus strand (G>T on the coding strand, the complement: TPM3 is on the minus strand). VCF-style: chr1-154169401-C-A. GRCh37 (hg19) VCF-style: chr1-154141877-C-A.
Other names: c.775+999G>T (NM_001364679.2, NM_001364681.2, NM_001364680.2); c.466+999G>T (NM_001278188.2); c.664+999G>T (NM_001043351.2, NM_001043353.2, NM_153649.4 and 1 more transcripts); c.665-18G>T (NM_001349679.2, NM_001278189.2, NM_001364683.1); c.601+999G>T (NM_001278190.2); c.394+999G>T (NM_001278191.2); c.776-18G>T (NM_001364682.1).
Identifiers: ClinVar variation 2929068 (VCV002929068.3), dbSNP rs2525983644, ClinGen allele CA2740090257.

ClinVar aggregate classification (germline): Uncertain significance (1 of 4 stars; one submission).

Conditions:
Congenital myopathy with fiber type disproportion. Also called: Congenital fiber-type disproportion; Congenital fiber-type disproportion myopathy. Identifiers: Orphanet 2020, MedGen C0546264, MONDO:0009711. Inheritance: all.
Congenital myopathy 4B, autosomal recessive. Also called: Nemaline myopathy 1, autosomal dominant or recessive. Identifiers: Orphanet 171433, Orphanet 171439, Orphanet 171881, MedGen C5829889, MONDO:0012239, OMIM 609284.

Submission:

Labcorp Genetics (formerly Invitae), Labcorp
Classification: Uncertain significance for Congenital myopathy with fiber type disproportion; Congenital myopathy 4B, autosomal recessive. Last evaluated: 2023-09-25. Review status: criteria provided, single submitter. Criteria: Invitae Variant Classification Sherloc (09022015). Collection method: clinical testing. Allele origin: germline.
Comment: This sequence change falls in intron 8 of the TPM3 gene. It does not directly change the encoded amino acid sequence of the TPM3 protein. This variant is not present in population databases (gnomAD no frequency). This variant has not been reported in the literature in individuals affected with TPM3-related conditions. Algorithms developed to predict the effect of sequence changes on RNA splicing suggest that this variant may create or strengthen a splice site. In summary, the available evidence is currently insufficient to determine the role of this variant in disease. Therefore, it has been classified as a Variant of Uncertain Significance.